The following is an entry in ClinVar:

ClinVar aggregate classification (germline): Uncertain significance (1 of 4 stars; one submission).

Conditions:
Inborn genetic diseases. Identifiers: MedGen C0950123, MeSH D030342.

Submission:

Ambry Genetics
Classification: Uncertain significance for Inborn genetic diseases. Last evaluated: 2026-06-20. Review status: criteria provided, single submitter. Criteria: Ambry Variant Classification Scheme 2023. Collection method: clinical testing. Allele origin: germline.
Comment: The p.P275A variant (also known as c.823C>G), located in coding exon 4 of the FANCM gene, results from a C to G substitution at nucleotide position 823. The proline at codon 275 is replaced by alanine, an amino acid with highly similar properties. This amino acid position is conserved. In addition, this alteration is predicted to be tolerated by in silico analysis. Based on the available evidence, the clinical significance of this variant remains unclear.

NM_020937.4(FANCM):c.823C>G (p.Pro275Ala)

Gene: FANCM (FA complementation group M; plus strand). Cytogenetic location: 14q21.2.
Variant type: single nucleotide variant.
Coding change: c.823C>G on transcript NM_020937.4 (MANE Select); coding-DNA position 823, C replaced by G.
Protein change: p.Pro275Ala; replaces proline 275 with alanine.
Molecular consequence: missense variant.
Genome position (GRCh38, 1-based): chr14:45,148,900, C>G. VCF-style: chr14-45148900-C-G. GRCh37 (hg19) VCF-style: chr14-45618103-C-G.
Other names: c.745C>G, p.Pro249Ala (NM_001308133.2); c.823C>G, p.Pro275Ala (NM_001308134.2); short protein forms P275A, P249A.
Identifiers: ClinVar variation 5036567 (VCV005036567.1).